The following is an entry in ClinVar:

ClinVar aggregate classification (germline): Uncertain significance (1 of 4 stars; one submission).

Allele frequency attached by ClinVar (database versions not stated): gnomAD exomes below 0.00001 and 0.00001.
gnomAD v4.1: 9 of 1,612,596 alleles (0.00056%); highest among the groups gnomAD compares: Non-Finnish European, 0.00076%; no homozygotes.

Submission:

Labcorp Genetics (formerly Invitae), Labcorp
Classification: Uncertain significance. Last evaluated: 2024-11-05. Review status: criteria provided, single submitter. Criteria: Invitae Variant Classification Sherloc (09022015). Collection method: clinical testing. Allele origin: germline.
Comment: This sequence change replaces glycine, which is neutral and non-polar, with alanine, which is neutral and non-polar, at codon 187 of the FLVCR1 protein (p.Gly187Ala). This variant is present in population databases (no rsID available, gnomAD 0.0009%). This variant has not been reported in the literature in individuals affected with FLVCR1-related conditions. ClinVar contains an entry for this variant (Variation ID: 1361434). Invitae Evidence Modeling of protein sequence and biophysical properties (such as structural, functional, and spatial information, amino acid conservation, physicochemical variation, residue mobility, and thermodynamic stability) indicates that this missense variant is not expected to disrupt FLVCR1 protein function with a negative predictive value of 80%. In summary, the available evidence is currently insufficient to determine the role of this variant in disease. Therefore, it has been classified as a Variant of Uncertain Significance.

NM_014053.4(FLVCR1):c.560G>C (p.Gly187Ala)

Gene: FLVCR1 (FLVCR choline and heme transporter 1; plus strand). Cytogenetic location: 1q32.3.
Variant type: single nucleotide variant.
Coding change: c.560G>C on transcript NM_014053.4 (MANE Select); coding-DNA position 560, G replaced by C.
Protein change: p.Gly187Ala; replaces glycine 187 with alanine.
Molecular consequence: missense variant.
Genome position (GRCh38, 1-based): chr1:212,859,012, G>C. VCF-style: chr1-212859012-G-C. GRCh37 (hg19) VCF-style: chr1-213032354-G-C.
Other names: short protein forms G187A.
Identifiers: ClinVar variation 1361434 (VCV001361434.6), dbSNP rs1419841789, ClinGen allele CA344796918.